The following is an entry in ClinVar:

NM_004655.4(AXIN2):c.1292A>G (p.Tyr431Cys)

Gene: AXIN2 (axin 2; minus strand). Cytogenetic location: 17q24.1.
Variant type: single nucleotide variant.
Coding change: c.1292A>G on transcript NM_004655.4 (MANE Select); coding-DNA position 1292, A replaced by G.
Protein change: p.Tyr431Cys; replaces tyrosine 431 with cysteine.
Molecular consequence: missense variant.
Genome position (GRCh38, 1-based): chr17:65,537,744, T>C on the plus strand (A>G on the coding strand, the complement: AXIN2 is on the minus strand). VCF-style: chr17-65537744-T-C. GRCh37 (hg19) VCF-style: chr17-63533862-T-C.
Other names: c.1292A>G, p.Tyr431Cys (NM_001363813.1); short protein forms Y431C.
Identifiers: ClinVar variation 861322 (VCV000861322.13), dbSNP rs866813817, ClinGen allele CA293098434.

ClinVar aggregate classification (germline): Uncertain significance. Review status: criteria provided, multiple submitters, no conflicts (2 of 4 stars). 2 submissions from 2 submitters: Uncertain significance (2). Last evaluated 2025-08-26.

Conditions:
Oligodontia-cancer predisposition syndrome. Also called: TOOTH AGENESIS-COLORECTAL CANCER SYNDROME. Identifiers: Orphanet 300576, MedGen C1837750, MONDO:0012075, OMIM 608615. Disease mechanism: loss of function.
Hereditary cancer-predisposing syndrome. Also called: Tumor predisposition; Hereditary neoplastic syndrome; Neoplastic Syndromes, Hereditary; Hereditary Cancer Syndrome. Identifiers: Orphanet 140162, MedGen C0027672, MeSH D009386, MONDO:0015356.

Allele frequency attached by ClinVar (database versions not stated): gnomAD exomes below 0.00001 and 0.00001.
gnomAD v4.1: 6 of 1,571,336 alleles (0.00038%); highest among the groups gnomAD compares: East Asian, 0.0024%; no homozygotes.

Submissions (2):

Ambry Genetics
Classification: Uncertain significance for Hereditary cancer-predisposing syndrome. Last evaluated: 2025-08-26. Review status: criteria provided, single submitter. Criteria: Ambry Variant Classification Scheme 2023. Collection method: clinical testing. Allele origin: germline.
Comment: The p.Y431C variant (also known as c.1292A>G), located in coding exon 5 of the AXIN2 gene, results from an A to G substitution at nucleotide position 1292. The tyrosine at codon 431 is replaced by cysteine, an amino acid with highly dissimilar properties. This amino acid position is conserved. In addition, this alteration is predicted to be tolerated by in silico analysis. Based on the available evidence, the clinical significance of this variant remains unclear.

Labcorp Genetics (formerly Invitae), Labcorp
Classification: Uncertain significance for Oligodontia-cancer predisposition syndrome. Last evaluated: 2025-08-04. Review status: criteria provided, single submitter. Criteria: Invitae Variant Classification Sherloc (09022015). Collection method: clinical testing. Allele origin: germline.
Comment: This sequence change replaces tyrosine, which is neutral and polar, with cysteine, which is neutral and slightly polar, at codon 431 of the AXIN2 protein (p.Tyr431Cys). The frequency data for this variant in the population databases is considered unreliable, as metrics indicate poor data quality at this position in the gnomAD database. This variant has not been reported in the literature in individuals affected with AXIN2-related conditions. ClinVar contains an entry for this variant (Variation ID: 861322). Invitae Evidence Modeling of protein sequence and biophysical properties (such as structural, functional, and spatial information, amino acid conservation, physicochemical variation, residue mobility, and thermodynamic stability) indicates that this missense variant is not expected to disrupt AXIN2 protein function with a negative predictive value of 80%. In summary, the available evidence is currently insufficient to determine the role of this variant in disease. Therefore, it has been classified as a Variant of Uncertain Significance.